The following is an entry in ClinVar:

NM_007294.4(BRCA1):c.5144G>C (p.Ser1715Thr)

Gene: BRCA1 (BRCA1 DNA repair associated; minus strand). Cytogenetic location: 17q21.31.
Variant type: single nucleotide variant.
Coding change: c.5144G>C on transcript NM_007294.4 (MANE Select); coding-DNA position 5144, G replaced by C.
Protein change: p.Ser1715Thr; replaces serine 1715 with threonine.
Molecular consequence: missense variant. On other transcripts: non-coding transcript variant (1).
Genome position (GRCh38, 1-based): chr17:43,063,882, C>G on the plus strand (G>C on the coding strand, the complement: BRCA1 is on the minus strand). VCF-style: chr17-43063882-C-G. GRCh37 (hg19) VCF-style: chr17-41215899-C-G.
Other names: c.4931G>C, p.Ser1644Thr (NM_001407571.1, NM_001407894.1, NM_001407895.1 and 12 more transcripts); c.5210G>C, p.Ser1737Thr (NM_001407581.1, NM_001407582.1); c.5207G>C, p.Ser1736Thr (NM_001407583.1, NM_001407585.1, NM_001407587.1 and 1 more transcripts); c.5204G>C, p.Ser1735Thr (NM_001407590.1, NM_001407591.1); c.5144G>C, p.Ser1715Thr (NM_001407593.1, NM_001407594.1, NM_001407596.1 and 7 more transcripts); c.5141G>C, p.Ser1714Thr (NM_001407618.1, NM_001407619.1, NM_001407620.1 and 17 more transcripts); c.5138G>C, p.Ser1713Thr (NM_001407637.1, NM_001407638.1, NM_001407639.1 and 14 more transcripts); c.5135G>C, p.Ser1712Thr (NM_001407644.1, NM_001407645.1); and 71 more; short protein forms S611T, S1668T, S1715T, S1736T, S1419T, S1561T, S1586T, S1625T.
Identifiers: ClinVar variation 867403 (VCV000867403.3), dbSNP rs45444999, ClinGen allele CA10591257.
Genomic context (GRCh38, chr17:43,063,882, plus strand): 5'-ATGCAATTCTGAGGTGTTAAAGGGAGGAGGGGAGAAATAGTATTATACTTACAGAAATAG[C>G]TAACTACCCATTTTCCTCCCGCAATTCCTAGAAAATATTTCAGTGTCCGTTCACACACAA-3'
Protein context (NP_009225.1, residues 1705-1725): LGIAGGKWVV[Ser1715Thr]YFWVTQSIKE

Conditions:
Breast-ovarian cancer, familial, susceptibility to, 1 (BROVCA1). Also called: BRCA1 Hereditary Breast and Ovarian Cancer; OVARIAN CANCER, SUSCEPTIBILITY TO. Identifiers: Orphanet 145, MedGen C2676676, MONDO:0011450, OMIM 604370. Disease mechanism: loss of function.

Submission:

Brotman Baty Institute, University of Washington
No classification provided (evidence only). Condition: Breast-ovarian cancer, familial 1. Review status: no classification provided. Collection method: in vitro. Allele origin: not applicable. Functional consequence: functionally_normal.
ClinVar note: "not provided" was previously submitted as the classification for the variant. However, the classification appeared to be based only on an observation of functional data so it was converted to no classification on 2025-07-30.